The following is an entry in ClinVar:

NM_001358530.2(MOCS1):c.367C>T (p.Arg123Trp)

Gene: MOCS1 (molybdenum cofactor synthesis 1; minus strand). Cytogenetic location: 6p21.2.
Variant type: single nucleotide variant.
Coding change: c.367C>T on transcript NM_001358530.2 (MANE Select); coding-DNA position 367, C replaced by T.
Protein change: p.Arg123Trp; replaces arginine 123 with tryptophan.
Molecular consequence: missense variant. On other transcripts: non-coding transcript variant (1).
Genome position (GRCh38, 1-based): chr6:39,925,729, G>A on the plus strand (C>T on the coding strand, the complement: MOCS1 is on the minus strand). VCF-style: chr6-39925729-G-A. GRCh37 (hg19) VCF-style: chr6-39893473-G-A.
Other names: c.367C>T (NM_005943.5); c.367C>T, p.Arg123Trp (NM_001075098.4, NM_001358529.2, NM_005943.6); c.106C>T, p.Arg36Trp (NM_001358531.2, NM_001358533.2, NM_001358534.2); short protein forms R123W, R36W.
Identifiers: ClinVar variation 1042726 (VCV001042726.11), dbSNP rs779592342, ClinGen allele CA3796327.
Genomic context (GRCh38, chr6:39,925,729, plus strand): 5'-CCAACTCACCCACAATGTCCACCACGTCCGGCCGGATAAGCGGCTCTCCACCTGTGAGCC[G>A]GATCTTGTCGATGCCTTCCTTCACAAAGAGCCGGGCGAGGGTCAGGATCTCCTCTGTGGT-3'
Protein context (NP_001345459.1, residues 113-133): LFVKEGIDKI[Arg123Trp]LTGGEPLIRP

ClinVar aggregate classification (germline): Conflicting classifications of pathogenicity. Review status: criteria provided, conflicting classifications (1 of 4 stars). 5 submissions from 5 submitters: Pathogenic (1); Likely pathogenic (2); Uncertain significance (2). Last evaluated 2025-09-02.

Conditions:
Sulfite oxidase deficiency due to molybdenum cofactor deficiency type A. Also called: Molybdenum Cofactor Deficiency A; Molybdenum cofactor deficiency, complementation group A. Identifiers: Orphanet 308386, Orphanet 833, MedGen C1854988, MONDO:0009643, OMIM 252150.

Allele frequency attached by ClinVar (database versions not stated): gnomAD 0.00001; TOPMed 0.00001; ExAC 0.00003; 1000 Genomes Project 30x 0.00016.

Submissions (5):

Labcorp Genetics (formerly Invitae), Labcorp
Classification: Likely pathogenic for Sulfite oxidase deficiency due to molybdenum cofactor deficiency type A. Last evaluated: 2025-09-02. Review status: criteria provided, single submitter. Criteria: Invitae Variant Classification Sherloc (09022015). Collection method: clinical testing. Allele origin: germline.
Comment: This sequence change replaces arginine, which is basic and polar, with tryptophan, which is neutral and slightly polar, at codon 123 of the MOCS1 protein (p.Arg123Trp). This variant is present in population databases (rs779592342, gnomAD 0.007%). This missense change has been observed in individuals with molybdenum cofactor deficiency (PMID: 12754701, 35192225). ClinVar contains an entry for this variant (Variation ID: 1042726). An algorithm developed to predict the effect of missense changes on protein structure and function (PolyPhen-2) suggests that this variant is likely to be disruptive. In summary, the currently available evidence indicates that the variant is pathogenic, but additional data are needed to prove that conclusively. Therefore, this variant has been classified as Likely Pathogenic.

GeneDx
Classification: Likely pathogenic. Last evaluated: 2024-12-03. Review status: criteria provided, single submitter. Criteria: GeneDx Variant Classification Process June 2021. Collection method: clinical testing. Allele origin: germline. Affected: yes.
Comment: In silico analysis, which includes protein predictors and evolutionary conservation, supports a deleterious effect; Not observed at significant frequency in large population cohorts (gnomAD); This variant is associated with the following publications: (PMID: 12754701, 35192225)

Women's Health and Genetics/Laboratory Corporation of America, LabCorp
Classification: Pathogenic for Sulfite oxidase deficiency due to molybdenum cofactor deficiency type A. Last evaluated: 2024-11-11. Review status: criteria provided, single submitter. Criteria: LabCorp Variant Classification Summary - May 2015. Collection method: clinical testing. Allele origin: germline.
Comment: Variant summary: MOCS1 c.367C>T (p.Arg123Trp) results in a non-conservative amino acid change located in the Radical SAM core domain of the encoded protein sequence. Five of five in-silico tools predict a damaging effect of the variant on protein function. The variant allele was found at a frequency of 2.4e-05 in 249838 control chromosomes (gnomAD). c.367C>T has been reported in the literature in multiple individuals affected with Sulfite Oxidase Deficiency Due To Molybdenum Cofactor Deficiency Type A (e.g. Reiss_2003, Spiegel_2022). These data indicate that the variant is very likely to be associated with disease. The following publications have been ascertained in the context of this evaluation (PMID: 12754701, 35192225). ClinVar contains an entry for this variant (Variation ID: 1042726). Based on the evidence outlined above, the variant was classified as pathogenic.

Blueprint Genetics
Classification: Uncertain significance. Last evaluated: 2024-02-16. Review status: criteria provided, single submitter. Criteria: ACMG Guidelines, 2015. Collection method: clinical testing. Allele origin: germline.

Department of Pathology and Laboratory Medicine, Sinai Health System
Classification: Uncertain significance for Sulfite oxidase deficiency due to molybdenum cofactor deficiency type A. Last evaluated: 2023-04-03. Review status: criteria provided, single submitter. Criteria: ACMG Guidelines, 2015. Collection method: research. Allele origin: germline.

Literature cited by the submitters: PubMed 12754701 (cited by Labcorp Genetics (formerly Invitae), Labcorp and Women's Health and Genetics/Laboratory Corporation of America, LabCorp); PubMed 35192225 (cited by Labcorp Genetics (formerly Invitae), Labcorp and Women's Health and Genetics/Laboratory Corporation of America, LabCorp).